The following is an entry in ClinVar:

NM_001012614.2(CTBP1):c.681C>T (p.Gly227=)

Genes: CTBP1 (C-terminal binding protein 1; minus strand), CTBP1-AS (CTBP1 antisense RNA; plus strand). Cytogenetic location: 4p16.3.
Variant type: single nucleotide variant.
Coding change: c.681C>T on transcript NM_001012614.2 (MANE Select); coding-DNA position 681, C replaced by T.
Protein change: p.Gly227=; no amino-acid change (glycine 227 retained).
Molecular consequence: synonymous variant. On other transcripts: non-coding transcript variant (1).
Genome position (GRCh38, 1-based): chr4:1,216,039, G>A on the plus strand (C>T on the coding strand, the complement: CTBP1 is on the minus strand). VCF-style: chr4-1216039-G-A. GRCh37 (hg19) VCF-style: chr4-1209827-G-A.
Other names: c.714C>T, p.Gly238= (NM_001328.3).
Identifiers: ClinVar variation 730672 (VCV000730672.32), dbSNP rs139911392, ClinGen allele CA2804334.

ClinVar aggregate classification (germline): Benign/Likely benign. Review status: criteria provided, multiple submitters, no conflicts (2 of 4 stars). 2 submissions from 2 submitters: Benign (1); Likely benign (1). Last evaluated 2026-07-01.

Allele frequency attached by ClinVar (database versions not stated): gnomAD exomes 0.00011 and 0.00031; ExAC 0.00035; 1000 Genomes Project 0.00100; ESP Exome Variant Server 0.00100; gnomAD 0.00108 and 0.00121; 1000 Genomes Project 30x 0.00109; TOPMed 0.00119.
gnomAD v4.1: 328 of 1,611,694 alleles (0.02%); highest among the groups gnomAD compares: African/African-American, 0.39%; no homozygotes.

Submissions (2):

CeGaT Center for Human Genetics Tuebingen
Classification: Likely benign. Last evaluated: 2026-07-01. Review status: criteria provided, single submitter. Criteria: CeGaT Center For Human Genetics Tuebingen Variant Classification Criteria Version 2. Collection method: clinical testing. Allele origin: germline. Affected: yes. Observed: 2 variant alleles.
Comment: CTBP1: BP4, BP7

Labcorp Genetics (formerly Invitae), Labcorp
Classification: Benign. Last evaluated: 2025-12-08. Review status: criteria provided, single submitter. Criteria: Invitae Variant Classification Sherloc (09022015). Collection method: clinical testing. Allele origin: germline.